The following is an entry in ClinVar:

ClinVar aggregate classification (germline): Pathogenic/Likely pathogenic. Review status: criteria provided, multiple submitters, no conflicts (2 of 4 stars). 4 submissions from 4 submitters: Pathogenic (2); Likely pathogenic (2). Last evaluated 2026-07-01.

Conditions:
Recessive dystrophic epidermolysis bullosa (RDEB). Also called: DYSTROPHIC EPIDERMOLYSIS BULLOSA, AUTOSOMAL RECESSIVE; EPIDERMOLYSIS BULLOSA DYSTROPHICA, HALLOPEAU-SIEMENS TYPE; Epidermolysis Bullosa Distrophica Autosomal Recessive (RDEB); epidermolysis bullosa dystrophica, autosomal recessive; Hallopeau-Siemens Disease; severe generalized recessive dystrophic epidermolysis bullosa. Identifiers: Orphanet 79408, Orphanet 79409, MedGen C0079474, MONDO:0009179, OMIM 226600.
Epidermolysis bullosa dystrophica. Also called: Dystrophic epidermolysis bullosa, Hallopeau-Siemens type (formerly); Dystrophic epidermolysis bullosa. Identifiers: Orphanet 303, MedGen C0079294, MONDO:0006543.
Generalized dominant dystrophic epidermolysis bullosa (DDEB). Also called: DDEB, generalized; DDEB-gen; DYSTROPHIC EPIDERMOLYSIS BULLOSA, AUTOSOMAL DOMINANT; Epidermolysis bullosa dystrophica, autosomal dominant; Dominant DEB (DDEB). Identifiers: Orphanet 231568, MedGen C0432322, MONDO:0007549, OMIM 131750.
Epidermolysis bullosa pruriginosa. Also called: DEB, PRURIGINOSA; DYSTROPHIC EPIDERMOLYSIS BULLOSA PRURIGINOSA. Identifiers: Orphanet 89843, MedGen C1275114, MONDO:0011398, OMIM 604129.
Nonsyndromic congenital nail disorder 8. Also called: TOENAIL DYSTROPHY, ISOLATED. Identifiers: MedGen C1843761, MONDO:0011852, OMIM 607523.
Pretibial dystrophic epidermolysis bullosa. Also called: EPIDERMOLYSIS BULLOSA DYSTROPHICA, PRETIBIAL; Pretibial epidermolysis bullosa; Pretibial blistering. Identifiers: Orphanet 79410, MedGen C0432321, MONDO:0007552, OMIM 131850, HP:0012221.
Dominant dystrophic epidermolysis bullosa with absence of skin. Also called: EPIDERMOLYSIS BULLOSA WITH CONGENITAL LOCALIZED ABSENCE OF SKIN AND DEFORMITY OF NAILS; EPIDERMOLYSIS BULLOSA DYSTROPHICA, BART TYPE. Identifiers: MedGen C0268371, MONDO:0007557, OMIM 132000.
Transient bullous dermolysis of the newborn (TBDN). Also called: DYSTROPHIC EPIDERMOLYSIS BULLOSA, NEONATAL; EPIDERMOLYSIS BULLOSA DYSTROPHICA, NEONATAL FORM. Identifiers: Orphanet 79411, MedGen C1851573, MONDO:0007548, OMIM 131705.

Submissions (4):

Myriad Genetics, Inc.
Classification: Pathogenic for Recessive dystrophic epidermolysis bullosa. Last evaluated: 2026-07-01. Review status: criteria provided, single submitter. Criteria: Myriad Autosomal Dominant, Autosomal Recessive and X-Linked Classification Criteria (2023). Collection method: clinical testing. Allele origin: unknown.
Comment: NM_000094.3(COL7A1):c.361delG(A121Lfs*26) is expected to be pathogenic in the context of dystrophic epidermolysis bullosa. This variant is predicted to lead to an abnormal or absent protein product due to the creation of a premature termination codon in COL7A1, a gene where loss-of-function variants are known to be pathogenic. Please note: this variant was assessed in the context of healthy population screening.

Natera, Inc.
Classification: Likely pathogenic for Dystrophic epidermolysis bullosa. Last evaluated: 2025-01-27. Review status: criteria provided, single submitter. Criteria: Natera Variant Classification Schema (03/2026). Collection method: clinical testing. Allele origin: germline.
Comment: The c.361del variant in COL7A1 is a frameshift variant predicted to shift the reading frame beginning at codon 121 and leads to a stop codon 26 codons downstream. This variant is expected to result in nonsense mediated decay, truncation, or a dysfunctional protein product. This variant is rare in the general population with a frequency below the threshold expected for the associated phenotype(s). Given the available evidence, this variant is classified as Likely Pathogenic.

Fulgent Genetics
Classification: Likely pathogenic for Transient bullous dermolysis of the newborn; Generalized dominant dystrophic epidermolysis bullosa; Pretibial dystrophic epidermolysis bullosa; Dominant dystrophic epidermolysis bullosa with absence of skin; Recessive dystrophic epidermolysis bullosa; Epidermolysis bullosa pruriginosa; Nonsyndromic congenital nail disorder 8. Last evaluated: 2024-06-18. Review status: criteria provided, single submitter. Criteria: ACMG Guidelines, 2015. Collection method: clinical testing. Allele origin: germline.

Labcorp Genetics (formerly Invitae), Labcorp
Classification: Pathogenic. Last evaluated: 2023-09-10. Review status: criteria provided, single submitter. Criteria: Invitae Variant Classification Sherloc (09022015). Collection method: clinical testing. Allele origin: germline.
Comment: This sequence change creates a premature translational stop signal (p.Ala121Leufs*26) in the COL7A1 gene. It is expected to result in an absent or disrupted protein product. Loss-of-function variants in COL7A1 are known to be pathogenic (PMID: 16971478). This variant is not present in population databases (gnomAD no frequency). This variant has not been reported in the literature in individuals affected with COL7A1-related conditions. For these reasons, this variant has been classified as Pathogenic.

Literature cited by the submitters: PubMed 16971478 (cited by Labcorp Genetics (formerly Invitae), Labcorp).

NM_000094.4(COL7A1):c.361del (p.Ala121fs)

Gene: COL7A1 (collagen type VII alpha 1 chain; minus strand). Cytogenetic location: 3p21.31.
Variant type: Deletion.
Coding change: c.361del on transcript NM_000094.4 (MANE Select); coding-DNA position 361, one base deleted (G; older notation c.361delG).
Protein change: p.Ala121fs; shifts the reading frame from alanine 121.
Molecular consequence: frameshift variant.
Genome position (GRCh38, 1-based): chr3:48,593,602, C deleted on the plus strand (G on the coding strand, the reverse complement: COL7A1 is on the minus strand); the first of 4 consecutive C bases (chr3:48,593,602-48,593,605); deleting any one gives the same sequence. VCF-style (leftmost placement, unchanged base first): chr3-48593601-GC-G. GRCh37 (hg19) VCF-style: chr3-48631034-GC-G.
Other names: c.361del (NM_000094.3); short protein forms A121fs.
Identifiers: ClinVar variation 2759797 (VCV002759797.7), dbSNP rs2531351123, ClinGen allele CA2697550882.